The following is an entry in ClinVar:

NM_001845.6(COL4A1):c.4252C>T (p.Pro1418Ser)

Gene: COL4A1 (collagen type IV alpha 1 chain; minus strand). Cytogenetic location: 13q34.
Variant type: single nucleotide variant.
Coding change: c.4252C>T on transcript NM_001845.6 (MANE Select); coding-DNA position 4252, C replaced by T.
Protein change: p.Pro1418Ser; replaces proline 1418 with serine.
Molecular consequence: missense variant.
Genome position (GRCh38, 1-based): chr13:110,162,440, G>A on the plus strand (C>T on the coding strand, the complement: COL4A1 is on the minus strand). VCF-style: chr13-110162440-G-A. GRCh37 (hg19) VCF-style: chr13-110814787-G-A.
Other names: short protein forms P1418S.
Identifiers: ClinVar variation 1721584 (VCV001721584.5), dbSNP rs1877130156, ClinGen allele CA388658705.

ClinVar aggregate classification (germline): Uncertain significance (1 of 4 stars; one submission).

Allele frequency attached by ClinVar (database versions not stated): TOPMed below 0.00001.

Submission:

Labcorp Genetics (formerly Invitae), Labcorp
Classification: Uncertain significance. Last evaluated: 2022-10-13. Review status: criteria provided, single submitter. Criteria: Invitae Variant Classification Sherloc (09022015). Collection method: clinical testing. Allele origin: germline.
Comment: In summary, the available evidence is currently insufficient to determine the role of this variant in disease. Therefore, it has been classified as a Variant of Uncertain Significance. Algorithms developed to predict the effect of missense changes on protein structure and function are either unavailable or do not agree on the potential impact of this missense change (SIFT: "Tolerated"; PolyPhen-2: "Not Available"; Align-GVGD: "Class C0"). This variant has not been reported in the literature in individuals affected with COL4A1-related conditions. This variant is not present in population databases (gnomAD no frequency). This sequence change replaces proline, which is neutral and non-polar, with serine, which is neutral and polar, at codon 1418 of the COL4A1 protein (p.Pro1418Ser).